The following is an entry in ClinVar:

NM_014402.5(UQCRQ):c.-23G>C

Genes: UQCRQ (ubiquinol-cytochrome c reductase complex III subunit VII; plus strand), LOC126807509 (BRD4-independent group 4 enhancer GRCh37_chr5:132201613-132202812; plus strand). Cytogenetic location: 5q31.1.
Variant type: single nucleotide variant.
Coding change: c.-23G>C on transcript NM_014402.5 (MANE Select); 23 bases upstream of the start codon, G replaced by C.
Molecular consequence: 5 prime UTR variant.
Genome position (GRCh38, 1-based): chr5:132,866,678, G>C. VCF-style: chr5-132866678-G-C. GRCh37 (hg19) VCF-style: chr5-132202370-G-C.
Identifiers: ClinVar variation 508414 (VCV000508414.1), dbSNP rs992008032, ClinGen allele CA127290892.

ClinVar aggregate classification (germline): Likely benign (1 of 4 stars; one submission).

Allele frequency attached by ClinVar (database versions not stated): TOPMed 0.00001.

Submission:

GeneDx
Classification: Likely benign. Last evaluated: 2017-03-31. Review status: criteria provided, single submitter. Criteria: GeneDx Variant Classification (06012015). Collection method: clinical testing. Allele origin: germline. Affected: yes.
Comment: This variant is considered likely benign or benign based on one or more of the following criteria: it is a conservative change, it occurs at a poorly conserved position in the protein, it is predicted to be benign by multiple in silico algorithms, and/or has population frequency not consistent with disease.